The following is an entry in ClinVar:

NM_015072.5(TTLL5):c.1852T>C (p.Tyr618His)

Gene: TTLL5 (tubulin tyrosine ligase like 5; plus strand). Cytogenetic location: 14q24.3.
Variant type: single nucleotide variant.
Coding change: c.1852T>C on transcript NM_015072.5 (MANE Select); coding-DNA position 1852, T replaced by C.
Protein change: p.Tyr618His; replaces tyrosine 618 with histidine.
Molecular consequence: missense variant.
Genome position (GRCh38, 1-based): chr14:75,766,205, T>C. VCF-style: chr14-75766205-T-C. GRCh37 (hg19) VCF-style: chr14-76232548-T-C.
Other names: c.1852T>C (NM_015072.4); short protein forms Y618H.
Identifiers: ClinVar variation 1018659 (VCV001018659.8), dbSNP rs146649407, ClinGen allele CA7279544.

ClinVar aggregate classification (germline): Uncertain significance. Review status: criteria provided, multiple submitters, no conflicts (2 of 4 stars). 3 submissions from 3 submitters: Uncertain significance (3). Last evaluated 2026-09-24.

Conditions:
TTLL5-related disorder. Also called: TTLL5-related condition.

Allele frequency attached by ClinVar (database versions not stated): ExAC 0.00004; gnomAD exomes 0.00006 and 0.00018; gnomAD 0.00008 and 0.00009; TOPMed 0.00010; ESP Exome Variant Server 0.00031.
gnomAD v4.1: 274 of 1,613,886 alleles (0.017%); highest among the groups gnomAD compares: Non-Finnish European, 0.023%; no homozygotes.

Submissions (3):

PreventionGenetics, part of Exact Sciences
Classification: Uncertain significance for TTLL5-related condition. Last evaluated: 2026-09-24. Review status: criteria provided, single submitter. Criteria: ACMG Guidelines, 2015. Collection method: clinical testing. Allele origin: germline.
Comment: The TTLL5 c.1852T>C variant is predicted to result in the amino acid substitution p.Tyr618His. To our knowledge, this variant has not been reported in the literature. This variant is reported in 0.011% of alleles in individuals of European (Non-Finnish) descent in gnomAD. At this time, the clinical significance of this variant is uncertain due to the absence of conclusive functional and genetic evidence.

Blueprint Genetics
Classification: Uncertain significance. Last evaluated: 2023-09-08. Review status: criteria provided, single submitter. Criteria: ACMG Guidelines, 2015. Collection method: clinical testing. Allele origin: germline.

Labcorp Genetics (formerly Invitae), Labcorp
Classification: Uncertain significance. Last evaluated: 2022-06-04. Review status: criteria provided, single submitter. Criteria: Invitae Variant Classification Sherloc (09022015). Collection method: clinical testing. Allele origin: germline.
Comment: This sequence change replaces tyrosine, which is neutral and polar, with histidine, which is basic and polar, at codon 618 of the TTLL5 protein (p.Tyr618His). This variant is present in population databases (rs146649407, gnomAD 0.01%). This variant has not been reported in the literature in individuals affected with TTLL5-related conditions. ClinVar contains an entry for this variant (Variation ID: 1018659). Algorithms developed to predict the effect of missense changes on protein structure and function output the following: SIFT: "Tolerated"; PolyPhen-2: "Benign"; Align-GVGD: "Class C0". The histidine amino acid residue is found in multiple mammalian species, which suggests that this missense change does not adversely affect protein function. In summary, the available evidence is currently insufficient to determine the role of this variant in disease. Therefore, it has been classified as a Variant of Uncertain Significance.